The following is an entry in ClinVar:

NM_182931.3(KMT2E):c.4345A>G (p.Asn1449Asp)

Gene: KMT2E (lysine methyltransferase 2E (inactive); plus strand). Cytogenetic location: 7q22.3.
Variant type: single nucleotide variant.
Coding change: c.4345A>G on transcript NM_182931.3 (MANE Select); coding-DNA position 4345, A replaced by G.
Protein change: p.Asn1449Asp; replaces asparagine 1449 with aspartic acid.
Molecular consequence: missense variant.
Genome position (GRCh38, 1-based): chr7:105,112,101, A>G. VCF-style: chr7-105112101-A-G. GRCh37 (hg19) VCF-style: chr7-104752548-A-G.
Other names: c.4345A>G (NM_182931.2); c.4219A>G, p.Asn1407Asp (NM_001410908.1); c.4345A>G, p.Asn1449Asp (NM_018682.4); short protein forms N1407D, N1449D.
Identifiers: ClinVar variation 2919528 (VCV002919528.5), dbSNP rs751969274, ClinGen allele CA4424735.

ClinVar aggregate classification (germline): Conflicting classifications of pathogenicity. Review status: criteria provided, conflicting classifications (1 of 4 stars). 3 submissions from 3 submitters: Uncertain significance (2); Likely benign (1). Last evaluated 2025-11-13.

Conditions:
Inborn genetic diseases. Identifiers: MedGen C0950123, MeSH D030342.

Allele frequency attached by ClinVar (database versions not stated): ExAC 0.00001; gnomAD 0.00001; gnomAD exomes 0.00005.
gnomAD v4.1: 77 of 1,613,962 alleles (0.0048%); highest among the groups gnomAD compares: Non-Finnish European, 0.0061%; no homozygotes.

Submissions (3):

Labcorp Genetics (formerly Invitae), Labcorp
Classification: Uncertain significance. Last evaluated: 2025-11-13. Review status: criteria provided, single submitter. Criteria: Invitae Variant Classification Sherloc (09022015). Collection method: clinical testing. Allele origin: germline.
Comment: This sequence change replaces asparagine, which is neutral and polar, with aspartic acid, which is acidic and polar, at codon 1449 of the KMT2E protein (p.Asn1449Asp). This variant is present in population databases (rs751969274, gnomAD 0.003%). This variant has not been reported in the literature in individuals affected with KMT2E-related conditions. ClinVar contains an entry for this variant (Variation ID: 2919528). Invitae Evidence Modeling of protein sequence and biophysical properties (such as structural, functional, and spatial information, amino acid conservation, physicochemical variation, residue mobility, and thermodynamic stability) indicates that this missense variant is not expected to disrupt KMT2E protein function with a negative predictive value of 80%. In summary, the available evidence is currently insufficient to determine the role of this variant in disease. Therefore, it has been classified as a Variant of Uncertain Significance.

Ambry Genetics
Classification: Uncertain significance for Inborn genetic diseases. Last evaluated: 2023-12-12. Review status: criteria provided, single submitter. Criteria: Ambry Variant Classification Scheme 2023. Collection method: clinical testing. Allele origin: germline.

Blueprint Genetics
Classification: Likely benign. Last evaluated: 2023-04-04. Review status: criteria provided, single submitter. Criteria: ACMG Guidelines, 2015. Collection method: clinical testing. Allele origin: germline.